The following is an entry in ClinVar:

NM_001283009.2(RTEL1):c.683A>G (p.Tyr228Cys)

Genes: RTEL1 (regulator of telomere elongation helicase 1; plus strand), RTEL1-TNFRSF6B (RTEL1-TNFRSF6B readthrough (NMD candidate); plus strand). Cytogenetic location: 20q13.33.
Variant type: single nucleotide variant.
Coding change: c.683A>G on transcript NM_001283009.2 (MANE Select); coding-DNA position 683, A replaced by G.
Protein change: p.Tyr228Cys; replaces tyrosine 228 with cysteine.
Molecular consequence: missense variant. On other transcripts: non-coding transcript variant (1).
Genome position (GRCh38, 1-based): chr20:63,667,537, A>G. VCF-style: chr20-63667537-A-G. GRCh37 (hg19) VCF-style: chr20-62298890-A-G.
Other names: c.14A>G, p.Tyr5Cys (NM_001283010.1); c.683A>G, p.Tyr228Cys (NM_016434.4); c.755A>G, p.Tyr252Cys (NM_032957.5); short protein forms Y228C, Y252C, Y5C.
Identifiers: ClinVar variation 1984834 (VCV001984834.4), dbSNP rs923910999, ClinGen allele CA317492497.

ClinVar aggregate classification (germline): Uncertain significance (1 of 4 stars; one submission).

Conditions:
Pulmonary fibrosis and/or bone marrow failure, Telomere-related, 3. Also called: PULMONARY FIBROSIS AND/OR BONE MARROW FAILURE SYNDROME, TELOMERE-RELATED, 3. Identifiers: Orphanet 2032, MedGen C4225346, MONDO:0014613, OMIM 616373.
Dyskeratosis congenita, autosomal recessive 5 (DKCB5). Identifiers: MedGen C3554656, MONDO:0014076, OMIM 615190.

Allele frequency attached by ClinVar (database versions not stated): gnomAD exomes below 0.00001.
gnomAD v4.1: 2 of 1,613,792 alleles (0.00012%); highest among the groups gnomAD compares: Admixed American, 0.0033%; no homozygotes.

Submission:

Labcorp Genetics (formerly Invitae), Labcorp
Classification: Uncertain significance for Dyskeratosis congenita, autosomal recessive 5; Pulmonary fibrosis and/or bone marrow failure, Telomere-related, 3. Last evaluated: 2026-01-05. Review status: criteria provided, single submitter. Criteria: Invitae Variant Classification Sherloc (09022015). Collection method: clinical testing. Allele origin: germline.
Comment: This sequence change replaces tyrosine, which is neutral and polar, with cysteine, which is neutral and slightly polar, at codon 228 of the RTEL1 protein (p.Tyr228Cys). This variant is present in population databases (no rsID available, gnomAD 0.003%). This variant has not been reported in the literature in individuals affected with RTEL1-related conditions. ClinVar contains an entry for this variant (Variation ID: 1984834). An algorithm developed to predict the effect of missense changes on protein structure and function (PolyPhen-2) suggests that this variant is likely to be disruptive. In summary, the available evidence is currently insufficient to determine the role of this variant in disease. Therefore, it has been classified as a Variant of Uncertain Significance.